The following is an entry in ClinVar:

NM_000465.4(BARD1):c.2001G>A (p.Leu667=)

Gene: BARD1 (BRCA1 associated RING domain 1; minus strand). Cytogenetic location: 2q35.
Variant type: single nucleotide variant.
Coding change: c.2001G>A on transcript NM_000465.4 (MANE Select); coding-DNA position 2001, G replaced by A.
Protein change: p.Leu667=; no amino-acid change (leucine 667 retained).
Molecular consequence: synonymous variant. On other transcripts: non-coding transcript variant (3).
Genome position (GRCh38, 1-based): chr2:214,730,411, C>T on the plus strand (G>A on the coding strand, the complement: BARD1 is on the minus strand). VCF-style: chr2-214730411-C-T. GRCh37 (hg19) VCF-style: chr2-215595135-C-T.
Other names: c.1944G>A, p.Leu648= (NM_001282543.2); c.648G>A, p.Leu216= (NM_001282545.2); c.591G>A, p.Leu197= (NM_001282548.2); c.462G>A, p.Leu154= (NM_001282549.2).
Identifiers: ClinVar variation 4711592 (VCV004711592.1).

ClinVar aggregate classification (germline): Uncertain significance (1 of 4 stars; one submission).

Conditions:
Familial cancer of breast. Also called: hereditary breast carcinoma; BREAST CANCER, FAMILIAL; Hereditary breast cancer. Identifiers: Orphanet 227535, MedGen C0346153, MONDO:0016419, OMIM 114480. Disease mechanism: loss of function.

Submission:

Labcorp Genetics (formerly Invitae), Labcorp
Classification: Uncertain significance for Familial cancer of breast. Last evaluated: 2025-08-03. Review status: criteria provided, single submitter. Criteria: Invitae Variant Classification Sherloc (09022015). Collection method: clinical testing. Allele origin: germline.
Comment: This sequence change affects codon 667 of the BARD1 mRNA. It is a 'silent' change, meaning that it does not change the encoded amino acid sequence of the BARD1 protein. This variant also falls at the last nucleotide of exon 10, which is part of the consensus splice site for this exon. This variant is not present in population databases (gnomAD no frequency). This variant has not been reported in the literature in individuals affected with BARD1-related conditions. Variants that disrupt the consensus splice site are a relatively common cause of aberrant splicing (PMID: 17576681, 9536098). Algorithms developed to predict the effect of sequence changes on RNA splicing suggest that this variant may disrupt the consensus splice site. In summary, the available evidence is currently insufficient to determine the role of this variant in disease. Therefore, it has been classified as a Variant of Uncertain Significance.

Literature cited by the submitters: PubMed 17576681; PubMed 9536098.